The following is an entry in ClinVar:

NM_020738.4(KIDINS220):c.4963G>T (p.Glu1655Ter)

Gene: KIDINS220 (kinase D interacting substrate 220; minus strand). Cytogenetic location: 2p25.1.
Variant type: single nucleotide variant.
Coding change: c.4963G>T on transcript NM_020738.4 (MANE Select); coding-DNA position 4963, G replaced by T.
Protein change: p.Glu1655Ter; replaces glutamic acid 1655 with a stop codon.
Molecular consequence: nonsense. On other transcripts: intron variant (6).
Genome position (GRCh38, 1-based): chr2:8,731,073, C>A on the plus strand (G>T on the coding strand, the complement: KIDINS220 is on the minus strand). VCF-style: chr2-8731073-C-A. GRCh37 (hg19) VCF-style: chr2-8871203-C-A.
Other names: c.4966G>T, p.Glu1656Ter (NM_001348729.2); c.4909G>T, p.Glu1637Ter (NM_001348731.2); c.4906G>T, p.Glu1636Ter (NM_001348732.2); c.4795G>T, p.Glu1599Ter (NM_001348734.2); c.4792G>T, p.Glu1598Ter (NM_001348735.2); c.4666G>T, p.Glu1556Ter (NM_001348736.2); c.3882+2371G>T (NM_001348741.2, NM_001348742.2, NM_001348743.2); c.3996+2371G>T (NM_001348738.2); and 1 more; short protein forms E1556*, E1598*, E1599*, E1636*, E1637*, E1655*, E1656*.
Identifiers: ClinVar variation 2443497 (VCV002443497.1), dbSNP rs970613821, ClinGen allele CA345762346.
Genomic context (GRCh38, chr2:8,731,073, plus strand): 5'-TGTAGGCTTTCTGGCATGCAGGCCAGTTTTCTTCAGGGCTGCTGGCTATCAAGCTGCATT[C>A]GGAAGGGCTTTTCTTGTCTTCTGAACAAATGGACATCCGAGCTATAATTGGATCTTGCAG-3'

ClinVar aggregate classification (germline): Uncertain significance (1 of 4 stars; one submission).

Submission:

GeneDx
Classification: Uncertain significance. Last evaluated: 2022-09-09. Review status: criteria provided, single submitter. Criteria: GeneDx Variant Classification Process June 2021. Collection method: clinical testing. Allele origin: germline. Affected: yes.
Comment: Not observed at significant frequency in large population cohorts (gnomAD); Nonsense variant predicted to result in protein truncation as the last 117 amino acids are lost; Has not been previously published as pathogenic or benign to our knowledge